The following is an entry in ClinVar:

NM_001001557.4(GDF6):c.1243A>G (p.Thr415Ala)

Gene: GDF6 (growth differentiation factor 6; minus strand). Cytogenetic location: 8q22.1.
Variant type: single nucleotide variant.
Coding change: c.1243A>G on transcript NM_001001557.4 (MANE Select); coding-DNA position 1243, A replaced by G.
Protein change: p.Thr415Ala; replaces threonine 415 with alanine.
Molecular consequence: missense variant.
Genome position (GRCh38, 1-based): chr8:96,144,688, T>C on the plus strand (A>G on the coding strand, the complement: GDF6 is on the minus strand). VCF-style: chr8-96144688-T-C. GRCh37 (hg19) VCF-style: chr8-97156916-T-C.
Other names: short protein forms T415A.
Identifiers: ClinVar variation 4787863 (VCV004787863.1).

ClinVar aggregate classification (germline): Uncertain significance (1 of 4 stars; one submission).

Conditions:
Klippel-Feil syndrome 1, autosomal dominant (KFS1). Also called: CERVICAL VERTEBRAL FUSION, AUTOSOMAL DOMINANT. Identifiers: Orphanet 2345, MedGen C1861689, MONDO:0007306, OMIM 118100.
Isolated microphthalmia 4. Identifiers: Orphanet 2542, MedGen C2751307, MONDO:0013130, OMIM 613094.
Microphthalmia, isolated, with coloboma 6 (MCOPCB6). Also called: Microphthalmia with coloboma 6, digenic; Microphthalmia with coloboma 6; MICROPHTHALMIA/COLOBOMA 6. Identifiers: Orphanet 98938, MedGen C3150968, MONDO:0013376, OMIM 613703.
Leber congenital amaurosis 17 (LCA17). Identifiers: Orphanet 65, MedGen C3715164, MONDO:0014145, OMIM 615360.

Submission:

Labcorp Genetics (formerly Invitae), Labcorp
Classification: Uncertain significance for Isolated microphthalmia 4; Leber congenital amaurosis 17; Klippel-Feil syndrome 1, autosomal dominant; Microphthalmia, isolated, with coloboma 6. Last evaluated: 2026-01-11. Review status: criteria provided, single submitter. Criteria: Invitae Variant Classification Sherloc (09022015). Collection method: clinical testing. Allele origin: germline.
Comment: This sequence change replaces threonine, which is neutral and polar, with alanine, which is neutral and non-polar, at codon 415 of the GDF6 protein (p.Thr415Ala). This variant is present in population databases (no rsID available, gnomAD 0.0009%). This variant has not been reported in the literature in individuals affected with GDF6-related conditions. Invitae Evidence Modeling of protein sequence and biophysical properties (such as structural, functional, and spatial information, amino acid conservation, physicochemical variation, residue mobility, and thermodynamic stability) indicates that this missense variant is not expected to disrupt GDF6 protein function with a negative predictive value of 80%. In summary, the available evidence is currently insufficient to determine the role of this variant in disease. Therefore, it has been classified as a Variant of Uncertain Significance.